The following is an entry in ClinVar:

ClinVar aggregate classification (germline): Benign. Review status: criteria provided, multiple submitters, no conflicts (2 of 4 stars). 2 submissions from 2 submitters: Benign (2). Last evaluated 2018-06-14.

Allele frequency attached by ClinVar (database versions not stated): gnomAD exomes 0.01688; gnomAD 0.06233 and 0.06503; TOPMed 0.06813; 1000 Genomes Project 0.07009; 1000 Genomes Project 30x 0.07292.
gnomAD v4.1: 16,135 of 534,590 alleles (3%); highest among the groups gnomAD compares: African/African-American, 18%; 957 homozygotes.

Submissions (2):

GeneDx
Classification: Benign. Last evaluated: 2018-06-14. Review status: criteria provided, single submitter. Criteria: GeneDx Variant Classification (06012015). Collection method: clinical testing. Allele origin: germline. Affected: yes.
Comment: This variant is considered likely benign or benign based on one or more of the following criteria: it is a conservative change, it occurs at a poorly conserved position in the protein, it is predicted to be benign by multiple in silico algorithms, and/or has population frequency not consistent with disease.

Breakthrough Genomics
Classification: Benign. Review status: criteria provided, single submitter. Criteria: ACMG Guidelines, 2015. Collection method: not provided. Allele origin: germline. Inheritance: Autosomal recessive inheritance. Affected: yes.

NM_001267550.2(TTN):c.40409-157C>T

Gene: TTN (titin; minus strand). Cytogenetic location: 2q31.2.
Variant type: single nucleotide variant.
Coding change: c.40409-157C>T on transcript NM_001267550.2 (MANE Select); 157 bases into the intron before coding-DNA position 40409, C replaced by T.
Molecular consequence: intron variant.
Genome position (GRCh38, 1-based): chr2:178,644,773, G>A on the plus strand (C>T on the coding strand, the complement: TTN is on the minus strand). VCF-style: chr2-178644773-G-A. GRCh37 (hg19) VCF-style: chr2-179509500-G-A.
Other names: c.13283-2456C>T (NM_003319.4); c.13859-2456C>T (NM_133437.4); c.13658-2456C>T (NM_133432.3); c.32705-157C>T (NM_133378.4); c.35486-157C>T (NM_001256850.1).
Identifiers: ClinVar variation 675415 (VCV000675415.2), dbSNP rs34659500, ClinGen allele CA60963319.